The following is an entry in ClinVar:

ClinVar aggregate classification (germline): Likely benign (1 of 4 stars; one submission).

Submission:

CeGaT Center for Human Genetics Tuebingen
Classification: Likely benign. Last evaluated: 2025-07-01. Review status: criteria provided, single submitter. Criteria: CeGaT Center For Human Genetics Tuebingen Variant Classification Criteria Version 2. Collection method: clinical testing. Allele origin: germline. Affected: yes. Observed: 1 variant allele.
Comment: ANKRD17: BS2

NM_032217.5(ANKRD17):c.436A>G (p.Met146Val)

Gene: ANKRD17 (ankyrin repeat domain 17; minus strand). Cytogenetic location: 4q13.3.
Variant type: single nucleotide variant.
Coding change: c.436A>G on transcript NM_032217.5 (MANE Select); coding-DNA position 436, A replaced by G.
Protein change: p.Met146Val; replaces methionine 146 with valine.
Molecular consequence: missense variant.
Genome position (GRCh38, 1-based): chr4:73,177,491, T>C on the plus strand (A>G on the coding strand, the complement: ANKRD17 is on the minus strand). VCF-style: chr4-73177491-T-C. GRCh37 (hg19) VCF-style: chr4-74043208-T-C.
Other names: c.97A>G, p.Met33Val (NM_001286771.3); c.436A>G, p.Met146Val (NM_015574.2, NM_198889.3); short protein forms M146V, M33V.
Identifiers: ClinVar variation 4084692 (VCV004084692.8).